The following is an entry in ClinVar:

ClinVar aggregate classification (germline): Uncertain significance. Review status: criteria provided, multiple submitters, no conflicts (2 of 4 stars). 2 submissions from 2 submitters: Uncertain significance (2). Last evaluated 2025-06-17.

Conditions:
Hereditary cancer-predisposing syndrome. Also called: Hereditary Cancer Syndrome; Neoplastic Syndromes, Hereditary; Hereditary neoplastic syndrome; Tumor predisposition. Identifiers: Orphanet 140162, MedGen C0027672, MeSH D009386, MONDO:0015356.

Allele frequency attached by ClinVar (database versions not stated): gnomAD 0.00001; gnomAD exomes 0.00001.
gnomAD v4.1: 4 of 1,576,068 alleles (0.00025%); highest among the groups gnomAD compares: South Asian, 0.0023%; no homozygotes.

Submissions (2):

Ambry Genetics
Classification: Uncertain significance for Hereditary cancer-predisposing syndrome. Last evaluated: 2025-06-17. Review status: criteria provided, single submitter. Criteria: Ambry Variant Classification Scheme 2023. Collection method: clinical testing. Allele origin: germline.
Comment: The c.139+3A>G intronic variant results from an A to G substitution 3 nucleotides after coding exon 1 in the NTHL1 gene. This nucleotide position is highly conserved in available vertebrate species. In silico splice site analysis for this alteration is inconclusive. Based on the available evidence, the clinical significance of this variant remains unclear.

Labcorp Genetics (formerly Invitae), Labcorp
Classification: Uncertain significance. Last evaluated: 2024-02-27. Review status: criteria provided, single submitter. Criteria: Invitae Variant Classification Sherloc (09022015). Collection method: clinical testing. Allele origin: germline.
Comment: This sequence change falls in intron 1 of the NTHL1 gene. It does not directly change the encoded amino acid sequence of the NTHL1 protein. It affects a nucleotide within the consensus splice site. This variant is present in population databases (no rsID available, gnomAD 0.03%). This variant has not been reported in the literature in individuals affected with NTHL1-related conditions. ClinVar contains an entry for this variant (Variation ID: 2014545). Variants that disrupt the consensus splice site are a relatively common cause of aberrant splicing (PMID: 17576681, 9536098). Algorithms developed to predict the effect of sequence changes on RNA splicing suggest that this variant may disrupt the consensus splice site. In summary, the available evidence is currently insufficient to determine the role of this variant in disease. Therefore, it has been classified as a Variant of Uncertain Significance.

Literature cited by the submitters: PubMed 17576681 (cited by Labcorp Genetics (formerly Invitae), Labcorp); PubMed 9536098 (cited by Labcorp Genetics (formerly Invitae), Labcorp).

NM_002528.7(NTHL1):c.115+3A>G

Gene: NTHL1 (nth like DNA glycosylase 1; minus strand). Cytogenetic location: 16p13.3.
Variant type: single nucleotide variant.
Coding change: c.115+3A>G on transcript NM_002528.7 (MANE Select); 3 bases into the intron after coding-DNA position 115, A replaced by G.
Molecular consequence: intron variant.
Genome position (GRCh38, 1-based): chr16:2,047,706, T>C on the plus strand (A>G on the coding strand, the complement: NTHL1 is on the minus strand). VCF-style: chr16-2047706-T-C. GRCh37 (hg19) VCF-style: chr16-2097707-T-C.
Other names: c.-64+3A>G (NM_001318194.2); c.115+3A>G (NM_001318193.2); c.139+3A>G (NM_002528.5).
Identifiers: ClinVar variation 2014545 (VCV002014545.5), dbSNP rs1206872458, ClinGen allele CA620372616.